The following is an entry in ClinVar:

NM_001844.5(COL2A1):c.3639C>T (p.Pro1213=)

Gene: COL2A1 (collagen type II alpha 1 chain; minus strand). Cytogenetic location: 12q13.11.
Variant type: single nucleotide variant.
Coding change: c.3639C>T on transcript NM_001844.5 (MANE Select); coding-DNA position 3639, C replaced by T.
Protein change: p.Pro1213=; no amino-acid change (proline 1213 retained).
Molecular consequence: synonymous variant.
Genome position (GRCh38, 1-based): chr12:47,975,564, G>A on the plus strand (C>T on the coding strand, the complement: COL2A1 is on the minus strand). VCF-style: chr12-47975564-G-A. GRCh37 (hg19) VCF-style: chr12-48369347-G-A.
Other names: c.3432C>T, p.Pro1144= (NM_033150.3).
Identifiers: ClinVar variation 1199888 (VCV001199888.13), dbSNP rs375710692, ClinGen allele CA6534679.

ClinVar aggregate classification (germline): Likely benign. Review status: criteria provided, multiple submitters, no conflicts (2 of 4 stars). 4 submissions from 4 submitters: Likely benign (4). Last evaluated 2025-10-06.

Conditions:
COL2A1-related disorder. Also called: COL2A1-related condition; COL2A1-related disorders.

Allele frequency attached by ClinVar (database versions not stated): gnomAD exomes 0.00001 and 0.00003; ExAC 0.00003; gnomAD 0.00011 and 0.00013; ESP Exome Variant Server 0.00015; TOPMed 0.00019.
gnomAD v4.1: 31 of 1,602,476 alleles (0.0019%); highest among the groups gnomAD compares: African/African-American, 0.04%; no homozygotes.

Submissions (4):

Labcorp Genetics (formerly Invitae), Labcorp
Classification: Likely benign. Last evaluated: 2025-10-06. Review status: criteria provided, single submitter. Criteria: Invitae Variant Classification Sherloc (09022015). Collection method: clinical testing. Allele origin: germline.

PreventionGenetics, part of Exact Sciences
Classification: Likely benign for COL2A1-related condition. Last evaluated: 2025-09-04. Review status: criteria provided, single submitter. Criteria: ACMG Guidelines, 2015. Collection method: clinical testing. Allele origin: germline.
Comment: This variant is classified as likely benign based on ACMG/AMP sequence variant interpretation guidelines (Richards et al. 2015 PMID: 25741868, with internal and published modifications).

Blueprint Genetics
Classification: Likely benign. Last evaluated: 2023-06-26. Review status: criteria provided, single submitter. Criteria: ACMG Guidelines, 2015. Collection method: clinical testing. Allele origin: germline.

GeneDx
Classification: Likely benign. Last evaluated: 2021-05-18. Review status: criteria provided, single submitter. Criteria: GeneDx Variant Classification Process June 2021. Collection method: clinical testing. Allele origin: germline. Affected: yes.